The following is an entry in ClinVar:

NM_130384.3(ATRIP):c.1375G>T (p.Gly459Trp)

Genes: ATRIP (ATR interacting protein; plus strand), ATRIP-TREX1 (ATRIP-TREX1 readthrough; plus strand). Cytogenetic location: 3p21.31.
Variant type: single nucleotide variant.
Coding change: c.1375G>T on transcript NM_130384.3 (MANE Select); coding-DNA position 1375, G replaced by T.
Protein change: p.Gly459Trp; replaces glycine 459 with tryptophan.
Molecular consequence: missense variant. On other transcripts: non-coding transcript variant (1).
Genome position (GRCh38, 1-based): chr3:48,460,429, G>T. VCF-style: chr3-48460429-G-T. GRCh37 (hg19) VCF-style: chr3-48501828-G-T.
Other names: c.994G>T, p.Gly332Trp (NM_001271022.2); c.1096G>T, p.Gly366Trp (NM_001271023.2); c.1375G>T, p.Gly459Trp (NM_032166.4); short protein forms G366W, G459W, G332W.
Identifiers: ClinVar variation 4182012 (VCV004182012.1).

ClinVar aggregate classification (germline): Uncertain significance (1 of 4 stars; one submission).

gnomAD v4.1: 6 of 1,612,724 alleles (0.00037%); highest among the groups gnomAD compares: Non-Finnish European, 0.00034%; no homozygotes.

Submission:

Ambry Genetics
Classification: Uncertain significance. Last evaluated: 2025-07-09. Review status: criteria provided, single submitter. Criteria: Ambry Variant Classification Scheme 2023. Collection method: clinical testing. Allele origin: germline.
Comment: The p.G459W variant (also known as c.1375G>T), located in coding exon 8 of the ATRIP gene, results from a G to T substitution at nucleotide position 1375. The glycine at codon 459 is replaced by tryptophan, an amino acid with highly dissimilar properties. This amino acid position is conserved. In addition, this alteration is predicted to be tolerated by in silico analysis. Based on the available evidence, the clinical significance of this variant remains unclear.